The following is an entry in ClinVar:

NM_005045.4(RELN):c.2075del (p.Asp692fs)

Gene: RELN (reelin; minus strand). Cytogenetic location: 7q22.1.
Variant type: Deletion.
Coding change: c.2075del on transcript NM_005045.4 (MANE Select); coding-DNA position 2075, one base deleted (A; older notation c.2075delA).
Protein change: p.Asp692fs; shifts the reading frame from aspartic acid 692.
Molecular consequence: frameshift variant.
Genome position (GRCh38, 1-based): chr7:103,636,463, T deleted on the plus strand (A on the coding strand, the reverse complement: RELN is on the minus strand). VCF-style (leftmost placement, unchanged base first): chr7-103636462-GT-G. GRCh37 (hg19) VCF-style: chr7-103276909-GT-G.
Other names: c.2075del, p.Asp692fs (NM_173054.3); short protein forms D692fs.
Identifiers: ClinVar variation 2942199 (VCV002942199.3), dbSNP rs2484803145, ClinGen allele CA2740097477.
Genomic context (GRCh38, chr7:103,636,462, plus strand): 5'-AGAAATAAACATTGGGAATGTCTGGGATGCCATCTCACAAGCTGGGCCAGAAAATCCAGG[GT>G]CACACCTGAAAGAAATATGGTGAAATTAAATCTTAAACTGTTGGCTGTTTCGGAGATTCT-3'

ClinVar aggregate classification (germline): Pathogenic (1 of 4 stars; one submission).

Conditions:
Familial temporal lobe epilepsy 7. Identifiers: Orphanet 101046, MedGen C4225327, MONDO:0014639, OMIM 616436.
Norman-Roberts syndrome (LIS2). Also called: Lissencephaly 2 (Norman-Roberts type). Identifiers: Orphanet 89844, MedGen C0796089, MONDO:0009760, OMIM 257320.

Submission:

Labcorp Genetics (formerly Invitae), Labcorp
Classification: Pathogenic for Familial temporal lobe epilepsy 7; Norman-Roberts syndrome. Last evaluated: 2022-12-10. Review status: criteria provided, single submitter. Criteria: Invitae Variant Classification Sherloc (09022015). Collection method: clinical testing. Allele origin: germline.
Comment: For these reasons, this variant has been classified as Pathogenic. This variant has not been reported in the literature in individuals affected with RELN-related conditions. This variant is not present in population databases (gnomAD no frequency). This sequence change creates a premature translational stop signal (p.Asp692Alafs*66) in the RELN gene. It is expected to result in an absent or disrupted protein product. Loss-of-function variants in RELN are known to be pathogenic (PMID: 10973257, 26046367, 28454995).

Literature cited by the submitters: PubMed 10973257; PubMed 26046367; PubMed 28454995.